The following is an entry in ClinVar:

ClinVar aggregate classification (germline): Pathogenic (1 of 4 stars; one submission).

Submission:

ISCA Site 6
Classification: Pathogenic. Last evaluated: 2011-08-12. Review status: criteria provided, single submitter. Criteria: Kaminsky et al. (Genet Med. 2011). Collection method: clinical testing. Allele origin: unknown. Affected: yes. Observed: 1 variant allele.
Comment: Copy number variation identified through the course of routine clinical cytogenomic testing in postnatal populations. Clinical assertions have been curated as described in Kaminsky et al. 2011.

GRCh38/hg38 16p11.2(chr16:29844610-30187279)x1

Genes: ALDOA (aldolase, fructose-bisphosphate A; plus strand), ASPHD1 (aspartate beta-hydroxylase domain containing 1; plus strand), CDIPT (CDP-diacylglycerol--inositol 3-phosphatidyltransferase; minus strand), CDIPTOSP (CDIP transferase opposite strand, pseudogene; plus strand), CORO1A (coronin 1A; plus strand) and 49 more. Cytogenetic location: 16p11.2.
Variant type: copy number loss.
Change: copy number 1 (one copy instead of two) of chr16:29,844,610-30,187,279 (342.7 kb, GRCh38 coordinates, 1-based), cytogenetic band 16p11.2.
Identifiers: ClinVar variation 60414 (VCV000060414.2).